The following is an entry in ClinVar:

NM_002335.4(LRP5):c.3951C>T (p.Cys1317=)

Gene: LRP5 (LDL receptor related protein 5; plus strand). Cytogenetic location: 11q13.2.
Variant type: single nucleotide variant.
Coding change: c.3951C>T on transcript NM_002335.4 (MANE Select); coding-DNA position 3951, C replaced by T.
Protein change: p.Cys1317=; no amino-acid change (cysteine 1317 retained).
Molecular consequence: synonymous variant.
Genome position (GRCh38, 1-based): chr11:68,433,789, C>T. VCF-style: chr11-68433789-C-T. GRCh37 (hg19) VCF-style: chr11-68201257-C-T.
Other names: c.2208C>T, p.Cys736= (NM_001291902.2).
Identifiers: ClinVar variation 742290 (VCV000742290.14), dbSNP rs141306017, ClinGen allele CA6150166.

ClinVar aggregate classification (germline): Likely benign. Review status: criteria provided, multiple submitters, no conflicts (2 of 4 stars). 4 submissions from 4 submitters: Likely benign (4). Last evaluated 2025-10-21.

Conditions:
Polycystic liver disease 4 with or without kidney cysts. Identifiers: MedGen C4693479, MONDO:0044327, OMIM 617875.
Exudative vitreoretinopathy 4 (EVR4). Identifiers: Orphanet 891, MedGen C1866176, MONDO:0011151, OMIM 601813.
Bone mineral density quantitative trait locus 1 (BMND1). Identifiers: MedGen C1866079, OMIM 601884.
Autosomal dominant osteopetrosis 1 (OPTA1). Also called: OSTEOPETROSIS, AUTOSOMAL DOMINANT, TYPE I. Identifiers: Orphanet 2783, MedGen C1843330, MONDO:0011877, OMIM 607634.
Worth disease. Also called: OSTEOSCLEROSIS, AUTOSOMAL DOMINANT; ENDOSTEAL HYPEROSTOSIS, AUTOSOMAL DOMINANT; Autosomal dominant osteosclerosis, Worth type. Identifiers: Orphanet 2790, MedGen C0432273, MONDO:0007764, OMIM 144750.
Osteoporosis. Identifiers: MedGen C0029456, MONDO:0005298, OMIM 166710, HP:0000939.
Osteoporosis with pseudoglioma (OPPG). Also called: osteoporosis-pseudoglioma syndrome. Identifiers: Orphanet 2788, MedGen C0432252, MONDO:0009820, OMIM 259770.
Exudative vitreoretinopathy 1 (EVR1). Also called: CRISWICK-SCHEPENS SYNDROME; FEVR, AUTOSOMAL DOMINANT; Familial exudative vitreoretinopathy, autosomal dominant. Identifiers: Orphanet 891, Orphanet 90050, MedGen C1851402, MONDO:0007589, OMIM 133780.
LRP5-related disorder. Also called: LRP5-related condition.

Allele frequency attached by ClinVar (database versions not stated): gnomAD 0.00001 and 0.00003; ExAC 0.00002; gnomAD exomes 0.00002; TOPMed 0.00004; ESP Exome Variant Server 0.00008.
gnomAD v4.1: 27 of 1,612,548 alleles (0.0017%); highest among the groups gnomAD compares: Admixed American, 0.0067%; no homozygotes.

Submissions (4):

Labcorp Genetics (formerly Invitae), Labcorp
Classification: Likely benign. Last evaluated: 2025-10-21. Review status: criteria provided, single submitter. Criteria: Invitae Variant Classification Sherloc (09022015). Collection method: clinical testing. Allele origin: germline.

PreventionGenetics, part of Exact Sciences
Classification: Likely benign for LRP5-related condition. Last evaluated: 2024-11-12. Review status: criteria provided, single submitter. Criteria: ACMG Guidelines, 2015. Collection method: clinical testing. Allele origin: germline.
Comment: This variant is classified as likely benign based on ACMG/AMP sequence variant interpretation guidelines (Richards et al. 2015 PMID: 25741868, with internal and published modifications).

Fulgent Genetics
Classification: Likely benign for Exudative vitreoretinopathy 1; Worth disease; Osteoporosis; Osteoporosis with pseudoglioma; Exudative vitreoretinopathy 4; Bone mineral density quantitative trait locus 1; Autosomal dominant osteopetrosis 1; Polycystic liver disease 4 with or without kidney cysts. Last evaluated: 2021-07-23. Review status: criteria provided, single submitter. Criteria: ACMG Guidelines, 2015. Collection method: clinical testing. Allele origin: unknown.

Blueprint Genetics
Classification: Likely benign. Last evaluated: 2020-09-29. Review status: criteria provided, single submitter. Criteria: ACMG Guidelines, 2015. Collection method: clinical testing. Allele origin: germline.